The following is an entry in ClinVar:

NM_052865.4(MGME1):c.1004A>G (p.Gln335Arg)

Gene: MGME1 (mitochondrial genome maintenance exonuclease 1; plus strand). Cytogenetic location: 20p11.23.
Variant type: single nucleotide variant.
Coding change: c.1004A>G on transcript NM_052865.4 (MANE Select); coding-DNA position 1004, A replaced by G.
Protein change: p.Gln335Arg; replaces glutamine 335 with arginine.
Molecular consequence: missense variant. On other transcripts: synonymous variant (1).
Genome position (GRCh38, 1-based): chr20:17,990,078, A>G. VCF-style: chr20-17990078-A-G. GRCh37 (hg19) VCF-style: chr20-17970721-A-G.
Other names: c.1049A>G, p.Gln350Arg (NM_001310338.2); c.651A>G, p.Pro217= (NM_001310339.2); c.764A>G, p.Gln255Arg (NM_001363738.2); short protein forms Q255R, Q335R, Q350R.
Identifiers: ClinVar variation 4975629 (VCV004975629.1).

ClinVar aggregate classification (germline): Uncertain significance (1 of 4 stars; one submission).

Submission:

GeneDx
Classification: Uncertain significance. Last evaluated: 2026-01-24. Review status: criteria provided, single submitter. Criteria: GeneDx Variant Classification Process June 2021. Collection method: clinical testing. Allele origin: germline.
Comment: Not observed at significant frequency in large population cohorts (gnomAD); In silico analysis suggests that this missense variant does not alter protein structure/function; Has not been previously published as pathogenic or benign to our knowledge